The following is an entry in ClinVar:

ClinVar aggregate classification (germline): Uncertain significance. Review status: criteria provided, multiple submitters, no conflicts (2 of 4 stars). 2 submissions from 2 submitters: Uncertain significance (2). Last evaluated 2025-09-01.

Conditions:
Inborn genetic diseases. Identifiers: MedGen C0950123, MeSH D030342.

Allele frequency attached by ClinVar (database versions not stated): gnomAD 0.00002.
gnomAD v4.1: 29 of 1,613,924 alleles (0.0018%); highest among the groups gnomAD compares: East Asian, 0.0022%; no homozygotes.

Submissions (2):

Ambry Genetics
Classification: Uncertain significance for Inborn genetic diseases. Last evaluated: 2025-09-01. Review status: criteria provided, single submitter. Criteria: Ambry Variant Classification Scheme 2023. Collection method: clinical testing. Allele origin: germline.

Labcorp Genetics (formerly Invitae), Labcorp
Classification: Uncertain significance. Last evaluated: 2022-08-19. Review status: criteria provided, single submitter. Criteria: Invitae Variant Classification Sherloc (09022015). Collection method: clinical testing. Allele origin: germline.
Comment: This sequence change replaces methionine, which is neutral and non-polar, with lysine, which is basic and polar, at codon 80 of the POP1 protein (p.Met80Lys). This variant is present in population databases (rs369676489, gnomAD 0.002%). This variant has not been reported in the literature in individuals affected with POP1-related conditions. ClinVar contains an entry for this variant (Variation ID: 1403362). Algorithms developed to predict the effect of missense changes on protein structure and function output the following: SIFT: "Tolerated"; PolyPhen-2: "Benign"; Align-GVGD: "Class C0". The lysine amino acid residue is found in multiple mammalian species, which suggests that this missense change does not adversely affect protein function. In summary, the available evidence is currently insufficient to determine the role of this variant in disease. Therefore, it has been classified as a Variant of Uncertain Significance.

NM_001145860.2(POP1):c.239T>A (p.Met80Lys)

Gene: POP1 (POP1 ribonuclease P/MRP subunit; plus strand). Cytogenetic location: 8q22.2.
Variant type: single nucleotide variant.
Coding change: c.239T>A on transcript NM_001145860.2 (MANE Select); coding-DNA position 239, T replaced by A.
Protein change: p.Met80Lys; replaces methionine 80 with lysine.
Molecular consequence: missense variant.
Genome position (GRCh38, 1-based): chr8:98,127,691, T>A. VCF-style: chr8-98127691-T-A. GRCh37 (hg19) VCF-style: chr8-99139919-T-A.
Other names: c.239T>A (NM_015029.2); c.239T>A, p.Met80Lys (NM_001145861.2, NM_015029.3); short protein forms M80K.
Identifiers: ClinVar variation 1403362 (VCV001403362.5), dbSNP rs369676489, ClinGen allele CA4820266.